The following is an entry in ClinVar:

ClinVar aggregate classification (germline): Uncertain significance. Review status: criteria provided, multiple submitters, no conflicts (2 of 4 stars). 3 submissions from 3 submitters: Uncertain significance (3). Last evaluated 2024-12-19.

Conditions:
Cardiovascular phenotype. Identifiers: MedGen CN230736.
Long QT syndrome (LQTS). Identifiers: MedGen C0023976, MeSH D008133, MONDO:0002442. Disease mechanism: loss of function. Inheritance: Various modes of inheritance.

Allele frequency attached by ClinVar (database versions not stated): ExAC 0.00001; TOPMed 0.00002; gnomAD exomes 0.00001.
gnomAD v4.1: 17 of 1,613,576 alleles (0.0011%); highest among the groups gnomAD compares: East Asian, 0.0045%; no homozygotes.

Submissions (3):

Labcorp Genetics (formerly Invitae), Labcorp
Classification: Uncertain significance for Long QT syndrome. Last evaluated: 2024-12-19. Review status: criteria provided, single submitter. Criteria: Invitae Variant Classification Sherloc (09022015). Collection method: clinical testing. Allele origin: germline.
Comment: This sequence change replaces arginine, which is basic and polar, with cysteine, which is neutral and slightly polar, at codon 590 of the CACNA1C protein (p.Arg590Cys). This variant is present in population databases (rs776145143, gnomAD 0.006%). This missense change has been observed in individual(s) with sudden unexplained death (PMID: 29247119). ClinVar contains an entry for this variant (Variation ID: 1677742). Invitae Evidence Modeling of protein sequence and biophysical properties (such as structural, functional, and spatial information, amino acid conservation, physicochemical variation, residue mobility, and thermodynamic stability) indicates that this missense variant is expected to disrupt CACNA1C protein function with a positive predictive value of 95%. In summary, the available evidence is currently insufficient to determine the role of this variant in disease. Therefore, it has been classified as a Variant of Uncertain Significance.

Ambry Genetics
Classification: Uncertain significance for Cardiovascular phenotype. Last evaluated: 2023-01-13. Review status: criteria provided, single submitter. Criteria: Ambry Variant Classification Scheme 2023. Collection method: clinical testing. Allele origin: germline.
Comment: The p.R590C variant (also known as c.1768C>T), located in coding exon 13 of the CACNA1C gene, results from a C to T substitution at nucleotide position 1768. The arginine at codon 590 is replaced by cysteine, an amino acid with highly dissimilar properties. This variant was reported in a sudden unexplained death case; however, clinical details were limited (Lin Y et al. Circ Cardiovasc Genet. 2017 Dec;10(6)). This amino acid position is highly conserved in available vertebrate species. In addition, this alteration is predicted to be deleterious by in silico analysis. Since supporting evidence is limited at this time, the clinical significance of this alteration remains unclear.

AiLife Diagnostics
Classification: Uncertain significance. Last evaluated: 2022-01-04. Review status: criteria provided, single submitter. Criteria: ACMG Guidelines, 2015. Collection method: clinical testing. Allele origin: germline. Affected: yes. Observed: 1 variant allele.

Literature cited by the submitters: PubMed 29247119 (cited by 3 submitters).

NM_000719.7(CACNA1C):c.1768C>T (p.Arg590Cys)

Gene: CACNA1C (calcium voltage-gated channel subunit alpha1 C; plus strand). Cytogenetic location: 12p13.33.
Variant type: single nucleotide variant.
Coding change: c.1768C>T on transcript NM_000719.7 (MANE Select); coding-DNA position 1768, C replaced by T.
Protein change: p.Arg590Cys; replaces arginine 590 with cysteine.
Molecular consequence: missense variant.
Genome position (GRCh38, 1-based): chr12:2,567,667, C>T. VCF-style: chr12-2567667-C-T. GRCh37 (hg19) VCF-style: chr12-2676833-C-T.
Other names: c.1768C>T, p.Arg590Cys (NM_001129827.2, NM_001129829.2, NM_001129830.3 and 18 more transcripts); c.1759C>T, p.Arg587Cys (NM_001129844.2); short protein forms R587C, R590C.
Identifiers: ClinVar variation 1677742 (VCV001677742.9), dbSNP rs776145143, ClinGen allele CA6388851.